The following is an entry in ClinVar:

NM_001035.3(RYR2):c.12861C>G (p.Tyr4287Ter)

Genes: RYR2 (ryanodine receptor 2; plus strand), LOC126806068 (BRD4-independent group 4 enhancer GRCh37_chr1:237947411-237948610; plus strand). Cytogenetic location: 1q43.
Variant type: single nucleotide variant.
Coding change: c.12861C>G on transcript NM_001035.3 (MANE Select); coding-DNA position 12861, C replaced by G.
Protein change: p.Tyr4287Ter; replaces tyrosine 4287 with a stop codon.
Molecular consequence: nonsense.
Genome position (GRCh38, 1-based): chr1:237,784,573, C>G. VCF-style: chr1-237784573-C-G. GRCh37 (hg19) VCF-style: chr1-237947873-C-G.
Other names: short protein forms Y4287*.
Identifiers: ClinVar variation 1434630 (VCV001434630.8), dbSNP rs570414987, ClinGen allele CA345414485.

ClinVar aggregate classification (germline): Uncertain significance. Review status: criteria provided, multiple submitters, no conflicts (2 of 4 stars). 2 submissions from 2 submitters: Uncertain significance (2). Last evaluated 2022-03-08.

Conditions:
Catecholaminergic polymorphic ventricular tachycardia 1. Also called: VENTRICULAR TACHYCARDIA, CATECHOLAMINERGIC POLYMORPHIC, 1, WITH OR WITHOUT ATRIAL DYSFUNCTION AND/OR DILATED CARDIOMYOPATHY; RYR2-Related Catecholaminergic Polymorphic Ventricular Tachycardia; VENTRICULAR TACHYCARDIA, STRESS-INDUCED POLYMORPHIC 1. Identifiers: Orphanet 3286, MedGen C1631597, MONDO:0011484, OMIM 604772.
Arrhythmogenic right ventricular dysplasia 2. Identifiers: MedGen C1832931.
Ventricular arrhythmias due to cardiac ryanodine receptor calcium release deficiency syndrome. Also called: Autosomal dominant cardiac arrhythmia (Kuhn). Identifiers: MedGen C5542154, MONDO:0020745, OMIM 115000.

Submissions (2):

Labcorp Genetics (formerly Invitae), Labcorp
Classification: Uncertain significance for Catecholaminergic polymorphic ventricular tachycardia 1. Last evaluated: 2022-03-08. Review status: criteria provided, single submitter. Criteria: Invitae Variant Classification Sherloc (09022015). Collection method: clinical testing. Allele origin: germline.
Comment: In summary, the available evidence is currently insufficient to determine the role of this variant in disease. Therefore, it has been classified as a Variant of Uncertain Significance. Algorithms developed to predict the effect of sequence changes on RNA splicing suggest that this variant may create or strengthen a splice site. This variant has not been reported in the literature in individuals affected with RYR2-related conditions. This sequence change creates a premature translational stop signal (p.Tyr4287*) in the RYR2 gene. It is expected to result in an absent or disrupted protein product. However, the current clinical and genetic evidence is not sufficient to establish whether loss-of-function variants in RYR2 cause disease. This variant is not present in population databases (gnomAD no frequency).

Fulgent Genetics
Classification: Uncertain significance for Ventricular arrhythmias due to cardiac ryanodine receptor calcium release deficiency syndrome; Catecholaminergic polymorphic ventricular tachycardia 1. Last evaluated: 2021-07-28. Review status: criteria provided, single submitter. Criteria: ACMG Guidelines, 2015. Collection method: clinical testing. Allele origin: unknown.